The following is an entry in ClinVar:

ClinVar aggregate classification (germline): Uncertain significance (1 of 4 stars; one submission).

Conditions:
Dilated cardiomyopathy 1G (CMD1G). Identifiers: Orphanet 154, MedGen C1858763, MONDO:0011400, OMIM 604145.
Autosomal recessive limb-girdle muscular dystrophy type 2J (LGMDR10). Also called: Limb-girdle muscular dystrophy, type 2J; MUSCULAR DYSTROPHY, LIMB-GIRDLE, AUTOSOMAL RECESSIVE 10. Identifiers: Orphanet 140922, MedGen C1837342, MONDO:0012127, OMIM 608807.

Submission:

Labcorp Genetics (formerly Invitae), Labcorp
Classification: Uncertain significance for Dilated cardiomyopathy 1G; Autosomal recessive limb-girdle muscular dystrophy type 2J. Last evaluated: 2025-05-05. Review status: criteria provided, single submitter. Criteria: Invitae Variant Classification Sherloc (09022015). Collection method: clinical testing. Allele origin: germline.
Comment: This sequence change replaces lysine, which is basic and polar, with glutamic acid, which is acidic and polar, at codon 35302 of the TTN protein (p.Lys35302Glu). This variant is not present in population databases (gnomAD no frequency). This variant has not been reported in the literature in individuals affected with TTN-related conditions. ClinVar contains an entry for this variant (Variation ID: 2108552). Experimental studies and prediction algorithms are not available or were not evaluated, and the functional significance of this variant is currently unknown. This variant is located in the M band of TTN (PMID: 25589632). Non-truncating variants in this region may be relevant for neuromuscular disorders, but have not been definitively shown to cause cardiomyopathy (PMID: 23975875). In summary, the available evidence is currently insufficient to determine the role of this variant in disease. Therefore, it has been classified as a Variant of Uncertain Significance.

Literature cited by the submitters: PubMed 25589632; PubMed 23975875.

NM_001267550.2(TTN):c.105904A>G (p.Lys35302Glu)

Genes: TTN (titin; minus strand), TTN-AS1 (TTN antisense RNA 1; plus strand), LOC129935183 (ATAC-STARR-seq lymphoblastoid active region 16808; plus strand). Cytogenetic location: 2q31.2.
Variant type: single nucleotide variant.
Coding change: c.105904A>G on transcript NM_001267550.2 (MANE Select); coding-DNA position 105904, A replaced by G.
Protein change: p.Lys35302Glu; replaces lysine 35302 with glutamic acid.
Molecular consequence: missense variant.
Genome position (GRCh38, 1-based): chr2:178,530,711, T>C on the plus strand (A>G on the coding strand, the complement: TTN is on the minus strand). VCF-style: chr2-178530711-T-C. GRCh37 (hg19) VCF-style: chr2-179395438-T-C.
Other names: c.100981A>G, p.Lys33661Glu (NM_001256850.1); c.78709A>G, p.Lys26237Glu (NM_003319.4); c.98200A>G, p.Lys32734Glu (NM_133378.4); c.79084A>G, p.Lys26362Glu (NM_133432.3); c.79285A>G, p.Lys26429Glu (NM_133437.4); short protein forms K32734E, K33661E, K35302E, K26237E, K26362E, K26429E.
Identifiers: ClinVar variation 2108552 (VCV002108552.4), dbSNP rs2468380289, ClinGen allele CA349407501.